The following is an entry in ClinVar:

NM_004859.4(CLTC):c.1971C>G (p.Ser657=)

Gene: CLTC (clathrin heavy chain; plus strand). Cytogenetic location: 17q23.1.
Variant type: single nucleotide variant.
Coding change: c.1971C>G on transcript NM_004859.4 (MANE Select); coding-DNA position 1971, C replaced by G.
Protein change: p.Ser657=; no amino-acid change (serine 657 retained).
Molecular consequence: synonymous variant.
Genome position (GRCh38, 1-based): chr17:59,666,820, C>G. VCF-style: chr17-59666820-C-G. GRCh37 (hg19) VCF-style: chr17-57744181-C-G.
Other names: c.1983C>G, p.Ser661= (NM_001288653.2).
Identifiers: ClinVar variation 1669924 (VCV001669924.23), dbSNP rs374852546, ClinGen allele CA292149682.

ClinVar aggregate classification (germline): Likely benign. Review status: criteria provided, multiple submitters, no conflicts (2 of 4 stars). 3 submissions from 3 submitters: Likely benign (3). Last evaluated 2025-04-16.

Allele frequency attached by ClinVar (database versions not stated): gnomAD 0.00002; gnomAD exomes 0.00002 and 0.00003; TOPMed 0.00005; ESP Exome Variant Server 0.00008.
gnomAD v4.1: 55 of 1,612,084 alleles (0.0034%); highest among the groups gnomAD compares: Non-Finnish European, 0.0042%; no homozygotes.

Submissions (3):

Labcorp Genetics (formerly Invitae), Labcorp
Classification: Likely benign. Last evaluated: 2025-04-16. Review status: criteria provided, single submitter. Criteria: Invitae Variant Classification Sherloc (09022015). Collection method: clinical testing. Allele origin: germline.

CeGaT Center for Human Genetics Tuebingen
Classification: Likely benign. Last evaluated: 2024-11-01. Review status: criteria provided, single submitter. Criteria: CeGaT Center For Human Genetics Tuebingen Variant Classification Criteria Version 2. Collection method: clinical testing. Allele origin: germline. Affected: yes. Observed: 1 variant allele.
Comment: CLTC: BP4

Blueprint Genetics
Classification: Likely benign. Last evaluated: 2023-08-22. Review status: criteria provided, single submitter. Criteria: ACMG Guidelines, 2015. Collection method: clinical testing. Allele origin: germline.